The following is an entry in ClinVar:

NM_003579.4(RAD54L):c.746A>T (p.Asp249Val)

Gene: RAD54L (RAD54 like; plus strand). Cytogenetic location: 1p34.1.
Variant type: single nucleotide variant.
Coding change: c.746A>T on transcript NM_003579.4 (MANE Select); coding-DNA position 746, A replaced by T.
Protein change: p.Asp249Val; replaces aspartic acid 249 with valine.
Molecular consequence: missense variant.
Genome position (GRCh38, 1-based): chr1:46,260,995, A>T. VCF-style: chr1-46260995-A-T. GRCh37 (hg19) VCF-style: chr1-46726667-A-T.
Other names: c.746A>T, p.Asp249Val (NM_001142548.2); c.206A>T, p.Asp69Val (NM_001370766.1); short protein forms D249V, D69V.
Identifiers: ClinVar variation 1759046 (VCV001759046.2), dbSNP rs2525670495, ClinGen allele CA340187923.

ClinVar aggregate classification (germline): Uncertain significance (1 of 4 stars; one submission).

Submission:

Ambry Genetics
Classification: Uncertain significance. Last evaluated: 2022-10-12. Review status: criteria provided, single submitter. Criteria: Ambry Variant Classification Scheme 2023. Collection method: clinical testing. Allele origin: germline.
Comment: The p.D249V variant (also known as c.746A>T), located in coding exon 7 of the RAD54L gene, results from an A to T substitution at nucleotide position 746. The aspartic acid at codon 249 is replaced by valine, an amino acid with highly dissimilar properties. This amino acid position is conserved. In addition, the in silico prediction for this alteration is inconclusive. Since supporting evidence is limited at this time, the clinical significance of this alteration remains unclear.